The following is an entry in ClinVar:

NM_004006.3(DMD):c.961-6137G>A

Gene: DMD (dystrophin; minus strand). Cytogenetic location: Xp21.1.
Variant type: single nucleotide variant.
Coding change: c.961-6137G>A on transcript NM_004006.3 (MANE Select); 6137 bases into the intron before coding-DNA position 961, G replaced by A.
Molecular consequence: intron variant.
Genome position (GRCh38, 1-based): chrX:32,651,289, C>T on the plus strand (G>A on the coding strand, the complement: DMD is on the minus strand). VCF-style: chrX-32651289-C-T. GRCh37 (hg19) VCF-style: chrX-32669406-C-T.
Other names: c.937-6137G>A (NM_000109.4); c.949-6137G>A (NM_004009.3); c.592-6137G>A (NM_004010.3).
Identifiers: ClinVar variation 679044 (VCV000679044.1), dbSNP rs144182525, ClinGen allele CA328545649.

ClinVar aggregate classification (germline): Likely benign (1 of 4 stars; one submission).

Allele frequency attached by ClinVar (database versions not stated): 1000 Genomes Project 30x 0.00978; 1000 Genomes Project 0.00980; gnomAD 0.01713 and 0.01762; TOPMed 0.01809.
gnomAD v4.1: 1,913 of 108,962 alleles (1.8%); highest among the groups gnomAD compares: Non-Finnish European, 2.7%; 23 homozygotes.

Submission:

GeneDx
Classification: Likely benign. Last evaluated: 2018-06-14. Review status: criteria provided, single submitter. Criteria: GeneDx Variant Classification (06012015). Collection method: clinical testing. Allele origin: germline. Affected: yes.
Comment: This variant is considered likely benign or benign based on one or more of the following criteria: it is a conservative change, it occurs at a poorly conserved position in the protein, it is predicted to be benign by multiple in silico algorithms, and/or has population frequency not consistent with disease.